The following is an entry in ClinVar:

NM_000322.5(PRPH2):c.866C>T (p.Ser289Leu)

Gene: PRPH2 (peripherin 2; minus strand). Cytogenetic location: 6p21.1.
Variant type: single nucleotide variant.
Coding change: c.866C>T on transcript NM_000322.5 (MANE Select); coding-DNA position 866, C replaced by T.
Protein change: p.Ser289Leu; replaces serine 289 with leucine.
Molecular consequence: missense variant.
Genome position (GRCh38, 1-based): chr6:42,698,470, G>A on the plus strand (C>T on the coding strand, the complement: PRPH2 is on the minus strand). VCF-style: chr6-42698470-G-A. GRCh37 (hg19) VCF-style: chr6-42666208-G-A.
Other names: short protein forms S289L.
Identifiers: ClinVar variation 98715 (VCV000098715.60), dbSNP rs62645939, ClinGen allele CA226322.

ClinVar aggregate classification (germline): Conflicting classifications of pathogenicity. Review status: criteria provided, conflicting classifications (1 of 4 stars). 13 submissions from 13 submitters: Uncertain significance (6); Likely benign (3). 4 of the submissions do not count toward it. Last evaluated 2026-08-27.

Conditions:
Retinitis pigmentosa 7 (RP7). Identifiers: Orphanet 791, MedGen C1842475, MONDO:0011974, OMIM 608133.
Pigmentary retinal dystrophy. Also called: Fundus albipunctatus. Identifiers: Orphanet 227796, Orphanet 52427, MedGen C0311338, MONDO:0007639, OMIM 136880, HP:0030642.
Patterned macular dystrophy 1. Also called: MACULAR DYSTROPHY, BUTTERFLY-SHAPED PIGMENTARY; BUTTERFLY DYSTROPHY OF RETINAL PIGMENT EPITHELIUM. Identifiers: Orphanet 99001, MedGen C4551999, MONDO:0008210, OMIM 169150.
Choroidal dystrophy, central areolar 2 (CACD2). Also called: Choriodal Dystrophy, Central Areolar 2; MACULAR DYSTROPHY, PROGRESSIVE. Identifiers: Orphanet 75377, MedGen C2751290, MONDO:0013137, OMIM 613105.
Vitelliform macular dystrophy 3 (VMD3). Also called: PRPH2 vitelliform macular dystrophy; vitelliform macular dystrophy caused by mutation in PRPH2. Identifiers: MedGen CN295869, MONDO:0024561, OMIM 608161.
PRPH2-related disorder. Also called: PRPH2-related condition; PRPH2-related disorders. Identifiers: MedGen CN239395.
Retinal dystrophy. Also called: Inherited retinal dystrophy. Identifiers: Orphanet 71862, MedGen C0854723, MeSH D058499, MONDO:0019118, HP:0000556.
Retinitis pigmentosa (RP). Identifiers: Orphanet 791, MedGen C0035334, MeSH D012174, MONDO:0019200, OMIM 268000. Inheritance: Autosomal dominant, autosomal recessive and X linked inheritance.
Stargardt disease (FFM). Also called: Fundus flavimaculatus; Stargardt's disease. Identifiers: Orphanet 827, MedGen C0271093, MONDO:0019353.

Allele frequency attached by ClinVar (database versions not stated): 1000 Genomes Project 30x 0.00016; 1000 Genomes Project 0.00020; gnomAD exomes 0.00064 and 0.00093; ExAC 0.00070; TOPMed 0.00072; gnomAD 0.00077 and 0.00079; ESP Exome Variant Server 0.00115.
gnomAD v4.1: 1,455 of 1,614,206 alleles (0.09%); highest among the groups gnomAD compares: Non-Finnish European, 0.12%; no homozygotes.

Submissions (13):

PreventionGenetics, part of Exact Sciences
Classification: Uncertain significance for PRPH2-related condition. Last evaluated: 2026-08-27. Review status: criteria provided, single submitter. Criteria: ACMG Guidelines, 2015. Collection method: clinical testing. Allele origin: germline.
Comment: The PRPH2 c.866C>T variant is predicted to result in the amino acid substitution p.Ser289Leu. This variant has been reported in individuals with inherited retinal disease (see for example: Kohl et al. 1997. PubMed ID: 9279751; Table S2, Zampaglione et al. 2020. PubMed ID: 32037395; Table S2, Weisschuh et al. 2020. PubMed ID: 32531858). However, this variant is present in 0.13% of alleles in individuals of European (Non-Finnish) descent in gnomAD, indicating this variant is relatively common. Although we suspect that this variant may be benign, at this time, the clinical significance of this variant is uncertain due to the absence of conclusive functional and genetic evidence.

Labcorp Genetics (formerly Invitae), Labcorp
Classification: Likely benign for PRPH2-related disorder. Last evaluated: 2026-01-15. Review status: criteria provided, single submitter. Criteria: Invitae Variant Classification Sherloc (09022015). Collection method: clinical testing. Allele origin: germline.

CeGaT Center for Human Genetics Tuebingen
Classification: Uncertain significance. Last evaluated: 2026-01-01. Review status: criteria provided, single submitter. Criteria: CeGaT Center For Human Genetics Tuebingen Variant Classification Criteria Version 2. Collection method: clinical testing. Allele origin: germline. Affected: yes. Observed: 3 variant alleles.
Comment: PRPH2: PM2, BP4

Blueprint Genetics
Classification: Likely benign. Last evaluated: 2024-10-17. Review status: criteria provided, single submitter. Criteria: ACMG Guidelines, 2015. Collection method: clinical testing. Allele origin: germline.

Institute of Human Genetics, Univ. Regensburg, Univ. Regensburg
Classification: Uncertain significance for Retinal dystrophy. Last evaluated: 2023-01-01. Review status: criteria provided, single submitter. Criteria: ACMG Guidelines, 2015. Collection method: clinical testing. Allele origin: germline. Affected: yes.

GeneDx
Classification: Uncertain significance. Last evaluated: 2022-11-22. Review status: criteria provided, single submitter. Criteria: GeneDx Variant Classification Process June 2021. Collection method: clinical testing. Allele origin: germline. Affected: yes.
Comment: In silico analysis supports that this missense variant has a deleterious effect on protein structure/function; This variant is associated with the following publications: (PMID: 10193525, 34411390, 32531858, 9279751, 32037395, 32531846, 32717343, 19038374)

Department of Pathology and Laboratory Medicine, Sinai Health System
Classification: Likely benign for Pigmentary retinal dystrophy; Patterned macular dystrophy 1; Retinitis pigmentosa 7; Vitelliform macular dystrophy 3; Choroidal dystrophy, central areolar 2. Last evaluated: 2022-01-14. Review status: criteria provided, single submitter. Criteria: ACMG Guidelines, 2015. Collection method: research. Allele origin: germline.

NEI Ophthalmic Genomics Laboratory, National Institutes of Health
Classification: Uncertain significance for Stargardt disease. Last evaluated: 2020-01-07. Review status: criteria provided, single submitter. Criteria: ACMG Guidelines, 2015. Collection method: clinical testing. Allele origin: germline. Affected: yes.
Comment: The variant NM_000322.4:c.866C>T in the PRPH2 gene has been previously studied(PMID 9279751). We found this variant in 3 patient(s) in a PRPH2 cohort study (Reeves et al. 2020). This variant is listed in dbSNP and/or HGMD (rs62645939, CM971294). It is present in gnomAD browser (AF 0.0006497). It is not enriched in the PRPH2 disease cohort. We invoked ACMG criteria [PM2, PP3] and classified NM_000322.4:c.866C>T in the PRPH2 gene as a Variant of Uncertain Significance.

Illumina Laboratory Services, Illumina
Classification: Uncertain significance for Retinitis pigmentosa. Last evaluated: 2017-04-27. Review status: criteria provided, single submitter. Criteria: ICSL Variant Classification Criteria 13 December 2019. Collection method: clinical testing. Allele origin: germline.
Comment: This variant was observed as part of a predisposition screen in an ostensibly healthy population. A literature search was performed for the gene, cDNA change, and amino acid change (where applicable). Publications were found based on this search. However, the evidence from the literature, in combination with allele frequency data from public databases where available, was not sufficient to rule this variant in or out of causing disease. Therefore, this variant is classified as a variant of unknown significance.

Leiden Open Variation Database
Classification: Uncertain significance. Last evaluated: 2021-04-06. Review status: no assertion criteria provided. Collection method: curation. Allele origin: germline. Affected: yes. Not counted in ClinVar's aggregate classification.
Comment: Curator: Global Variome, with Curator vacancy. Submitter to LOVD: Manon Peeters. Comment: Variant observed de novo.

Clinical Genetics DNA and cytogenetics Diagnostics Lab, Erasmus MC, Erasmus Medical Center
Classification: Likely benign. Review status: no assertion criteria provided. Collection method: clinical testing. Allele origin: germline. Affected: yes. Study: VKGL Data-share Consensus. Not counted in ClinVar's aggregate classification.

Clinical Genetics, Academic Medical Center
Classification: Likely benign. Review status: no assertion criteria provided. Collection method: clinical testing. Allele origin: germline. Affected: yes. Study: VKGL Data-share Consensus. Not counted in ClinVar's aggregate classification.

Retina International
No classification provided. Review status: no classification provided. Collection method: not provided. Allele origin: not provided. Not counted in ClinVar's aggregate classification.

Literature cited by the submitters: PubMed 9279751 (cited by 3 submitters); PubMed 32531846 (cited by Institute of Human Genetics, Univ. Regensburg, Univ. Regensburg and Leiden Open Variation Database); PubMed 32531858 (cited by Institute of Human Genetics, Univ. Regensburg, Univ. Regensburg); PubMed 32037395 (cited by Institute of Human Genetics, Univ. Regensburg, Univ. Regensburg); PubMed 34411390 (cited by Institute of Human Genetics, Univ. Regensburg, Univ. Regensburg); PubMed 10193525 (cited by Leiden Open Variation Database); PubMed 19038374 (cited by Leiden Open Variation Database); PubMed 32717343 (cited by Leiden Open Variation Database).